The following is an entry in ClinVar:

ClinVar aggregate classification (germline): Uncertain significance (1 of 4 stars; one submission).

Allele frequency attached by ClinVar (database versions not stated): ExAC 0.00001; gnomAD exomes 0.00002; TOPMed 0.00002; gnomAD 0.00003; ESP Exome Variant Server 0.00008.
gnomAD v4.1: 29 of 1,609,970 alleles (0.0018%); highest among the groups gnomAD compares: Non-Finnish European, 0.0022%; no homozygotes.

Submission:

Labcorp Genetics (formerly Invitae), Labcorp
Classification: Uncertain significance. Last evaluated: 2023-09-04. Review status: criteria provided, single submitter. Criteria: Invitae Variant Classification Sherloc (09022015). Collection method: clinical testing. Allele origin: germline.
Comment: This sequence change replaces alanine, which is neutral and non-polar, with glycine, which is neutral and non-polar, at codon 357 of the MAP3K7 protein (p.Ala357Gly). This variant is present in population databases (rs200449319, gnomAD 0.002%). This variant has not been reported in the literature in individuals affected with MAP3K7-related conditions. An algorithm developed to predict the effect of missense changes on protein structure and function (PolyPhen-2) suggests that this variant¬†is likely to be tolerated. In summary, the available evidence is currently insufficient to determine the role of this variant in disease. Therefore, it has been classified as a Variant of Uncertain Significance.

NM_145331.3(MAP3K7):c.1070C>G (p.Ala357Gly)

Gene: MAP3K7 (mitogen-activated protein kinase kinase kinase 7; minus strand). Cytogenetic location: 6q15.
Variant type: single nucleotide variant.
Coding change: c.1070C>G on transcript NM_145331.3 (MANE Select); coding-DNA position 1070, C replaced by G.
Protein change: p.Ala357Gly; replaces alanine 357 with glycine.
Molecular consequence: missense variant.
Genome position (GRCh38, 1-based): chr6:90,548,057, G>C on the plus strand (C>G on the coding strand, the complement: MAP3K7 is on the minus strand). VCF-style: chr6-90548057-G-C. GRCh37 (hg19) VCF-style: chr6-91257776-G-C.
Other names: c.1070C>G, p.Ala357Gly (NM_003188.4, NM_145332.3, NM_145333.3); short protein forms A357G.
Identifiers: ClinVar variation 2899730 (VCV002899730.1), dbSNP rs200449319, ClinGen allele CA3928491.